The following is an entry in ClinVar:

NM_138694.4(PKHD1):c.2593-3C>T

Gene: PKHD1 (PKHD1 ciliary IPT domain containing fibrocystin/polyductin; minus strand). Cytogenetic location: 6p12.2.
Variant type: single nucleotide variant.
Coding change: c.2593-3C>T on transcript NM_138694.4 (MANE Select); 3 bases into the intron before coding-DNA position 2593, C replaced by T.
Molecular consequence: intron variant.
Genome position (GRCh38, 1-based): chr6:52,045,091, G>A on the plus strand (C>T on the coding strand, the complement: PKHD1 is on the minus strand). VCF-style: chr6-52045091-G-A. GRCh37 (hg19) VCF-style: chr6-51909889-G-A.
Other names: c.2593-3C>T (NM_170724.3).
Identifiers: ClinVar variation 908312 (VCV000908312.5), dbSNP rs1290670072, ClinGen allele CA567298514.

ClinVar aggregate classification (germline): Uncertain significance. Review status: criteria provided, multiple submitters, no conflicts (2 of 4 stars). 2 submissions from 2 submitters: Uncertain significance (2). Last evaluated 2021-10-14.

Conditions:
Autosomal recessive polycystic kidney disease (ARPKD). Also called: AR polycystic kidney disease. Identifiers: Orphanet 731, Orphanet 8378, MedGen C0085548, MeSH D017044, MONDO:0009889.

Allele frequency attached by ClinVar (database versions not stated): gnomAD exomes below 0.00001; TOPMed below 0.00001.
gnomAD v4.1: 5 of 1,613,140 alleles (0.00031%); highest among the groups gnomAD compares: Non-Finnish European, 0.000085%; no homozygotes.

Submissions (2):

Labcorp Genetics (formerly Invitae), Labcorp
Classification: Uncertain significance for Autosomal recessive polycystic kidney disease. Last evaluated: 2021-10-14. Review status: criteria provided, single submitter. Criteria: Invitae Variant Classification Sherloc (09022015). Collection method: clinical testing. Allele origin: germline.
Comment: This sequence change falls in intron 24 of the PKHD1 gene. It does not directly change the encoded amino acid sequence of the PKHD1 protein. It affects a nucleotide within the consensus splice site. This variant is not present in population databases (ExAC no frequency). This variant has not been reported in the literature in individuals affected with PKHD1-related conditions. ClinVar contains an entry for this variant (Variation ID: 908312). Variants that disrupt the consensus splice site are a relatively common cause of aberrant splicing (PMID: 17576681, 9536098). Algorithms developed to predict the effect of sequence changes on RNA splicing suggest that this variant is not likely to affect RNA splicing. In summary, the available evidence is currently insufficient to determine the role of this variant in disease. Therefore, it has been classified as a Variant of Uncertain Significance.

Illumina Laboratory Services, Illumina
Classification: Uncertain significance for Polycystic kidney disease 4. Last evaluated: 2018-01-13. Review status: criteria provided, single submitter. Criteria: ICSL Variant Classification Criteria 13 December 2019. Collection method: clinical testing. Allele origin: germline.

Literature cited by the submitters: PubMed 17576681 (cited by Labcorp Genetics (formerly Invitae), Labcorp); PubMed 9536098 (cited by Labcorp Genetics (formerly Invitae), Labcorp).